The following is an entry in ClinVar:

ClinVar aggregate classification (germline): Conflicting classifications of pathogenicity. Review status: criteria provided, conflicting classifications (1 of 4 stars). 3 submissions from 3 submitters: Uncertain significance (1); Benign (1); Likely benign (1). Last evaluated 2025-10-09.

Conditions:
Andersen Tawil syndrome (LQT7). Also called: ANDERSEN CARDIODYSRHYTHMIC PERIODIC PARALYSIS; LONG QT SYNDROME 7; PERIODIC PARALYSIS, POTASSIUM-SENSITIVE CARDIODYSRHYTHMIC TYPE; Andersen Syndrome; Potassium-sensitive periodic paralysis, ventricular ectopy, and dysmorphic features. Identifiers: Orphanet 37553, MedGen C1563715, MONDO:0008222, OMIM 170390.
Short QT syndrome type 3. Identifiers: Orphanet 51083, MedGen C1865018, MONDO:0012314, OMIM 609622.
Atrial fibrillation, familial, 9 (ATFB9). Identifiers: MedGen C3151431, MONDO:0013513, OMIM 613980.
Cardiovascular phenotype. Identifiers: MedGen CN230736.

Submissions (3):

Labcorp Genetics (formerly Invitae), Labcorp
Classification: Likely benign for Short QT syndrome type 3; Andersen Tawil syndrome. Last evaluated: 2025-10-09. Review status: criteria provided, single submitter. Criteria: Invitae Variant Classification Sherloc (09022015). Collection method: clinical testing. Allele origin: germline.

Ambry Genetics
Classification: Benign for Cardiovascular phenotype. Last evaluated: 2025-03-13. Review status: criteria provided, single submitter. Criteria: Ambry Variant Classification Scheme 2023. Collection method: clinical testing. Allele origin: germline.

Juno Genomics, Hangzhou Juno Genomics, Inc
Classification: Uncertain significance for Andersen Tawil syndrome; Atrial fibrillation, familial, 9; Short QT syndrome type 3. Review status: criteria provided, single submitter. Criteria: ACMG Guidelines, 2015. Collection method: clinical testing. Allele origin: germline.
Comment: Absent from controls (or at extremely low frequency if recessive) in Genome Aggregation Database.;Missense variant in a gene that has a low rate of benign missense variation.;Multiple lines of computational evidence suggest no impact on gene or gene product.

Literature cited by the submitters: PubMed 29071820 (cited by Ambry Genetics); PubMed 30615235 (cited by Ambry Genetics).

NM_000891.3(KCNJ2):c.354G>C (p.Glu118Asp)

Gene: KCNJ2 (potassium inwardly rectifying channel subfamily J member 2; plus strand). Cytogenetic location: 17q24.3.
Variant type: single nucleotide variant.
Coding change: c.354G>C on transcript NM_000891.3 (MANE Select); coding-DNA position 354, G replaced by C.
Protein change: p.Glu118Asp; replaces glutamic acid 118 with aspartic acid.
Molecular consequence: missense variant.
Genome position (GRCh38, 1-based): chr17:70,175,393, G>C. VCF-style: chr17-70175393-G-C. GRCh37 (hg19) VCF-style: chr17-68171534-G-C.
Other names: short protein forms E118D.
Identifiers: ClinVar variation 3862857 (VCV003862857.4).